The following is an entry in ClinVar:

NM_001267550.2(TTN):c.36044C>T (p.Thr12015Met)

Gene: TTN (titin; minus strand). Cytogenetic location: 2q31.2.
Variant type: single nucleotide variant.
Coding change: c.36044C>T on transcript NM_001267550.2 (MANE Select); coding-DNA position 36044, C replaced by T.
Protein change: p.Thr12015Met; replaces threonine 12015 with methionine.
Molecular consequence: missense variant. On other transcripts: intron variant (5).
Genome position (GRCh38, 1-based): chr2:178,664,926, G>A on the plus strand (C>T on the coding strand, the complement: TTN is on the minus strand). VCF-style: chr2-178664926-G-A. GRCh37 (hg19) VCF-style: chr2-179529653-G-A.
Other names: c.36044C>T (LRG_391t1); c.13283-22609C>T (NM_003319.4); c.13859-22609C>T (NM_133437.4); c.13658-22609C>T (NM_133432.3); c.31484-1871C>T (NM_133378.4); c.34265-1871C>T (NM_001256850.1); short protein forms T12015M.
Identifiers: ClinVar variation 448789 (VCV000448789.32), dbSNP rs199868380, ClinGen allele CA1997671.
Genomic context (GRCh38, chr2:178,664,926, plus strand): 5'-GGTTCTCTTTTTTTGGAAGGAACTGTCTTGGCAGGAATAATTTCTTGAGGAGCTTCGGGC[G>A]CTTGAAAGATATTAGCAATTCACATTTAAGAGTTAAAATGATTAATGGAAAACAGTAACC-3'
Protein context (NP_001254479.2, residues 12005-12025): PEEPETPRMK[Thr12015Met]PEAPQEIIPA

ClinVar aggregate classification (germline): Conflicting classifications of pathogenicity. Review status: criteria provided, conflicting classifications (1 of 4 stars). 2 submissions from 2 submitters: Uncertain significance (1); Likely benign (1). Last evaluated 2022-04-01.

gnomAD v4.1: 79 of 1,604,790 alleles (0.0049%); highest among the groups gnomAD compares: South Asian, 0.057%; no homozygotes.

Submissions (2):

CeGaT Center for Human Genetics Tuebingen
Classification: Likely benign. Last evaluated: 2022-04-01. Review status: criteria provided, single submitter. Criteria: CeGaT Center For Human Genetics Tuebingen Variant Classification Criteria Version 2. Collection method: clinical testing. Allele origin: germline. Affected: yes. Observed: 1 variant allele.
Comment: TTN: BP4

Athena Diagnostics
Classification: Uncertain significance. Last evaluated: 2017-06-19. Review status: criteria provided, single submitter. Criteria: Athena Diagnostics Criteria. Collection method: clinical testing. Allele origin: germline.